The following is an entry in ClinVar:

ClinVar aggregate classification (germline): Benign. Review status: criteria provided, multiple submitters, no conflicts (2 of 4 stars). 2 submissions from 2 submitters: Benign (2). Last evaluated 2018-06-14.

Allele frequency attached by ClinVar (database versions not stated): gnomAD exomes 0.12526; gnomAD 0.13364 and 0.13439; 1000 Genomes Project 0.13279; TOPMed 0.13073; 1000 Genomes Project 30x 0.13492.

Submissions (2):

GeneDx
Classification: Benign. Last evaluated: 2018-06-14. Review status: criteria provided, single submitter. Criteria: GeneDx Variant Classification (06012015). Collection method: clinical testing. Allele origin: germline. Affected: yes.
Comment: This variant is considered likely benign or benign based on one or more of the following criteria: it is a conservative change, it occurs at a poorly conserved position in the protein, it is predicted to be benign by multiple in silico algorithms, and/or has population frequency not consistent with disease.

Breakthrough Genomics
Classification: Benign. Review status: criteria provided, single submitter. Criteria: ACMG Guidelines, 2015. Collection method: not provided. Allele origin: germline. Inheritance: Autosomal recessive inheritance. Affected: yes.

NM_016138.4(COQ7):c.-357A>T

Genes: COQ7 (coenzyme Q7, hydroxylase; plus strand), COQ7-DT (COQ7 divergent transcript; minus strand). Cytogenetic location: 16p12.3.
Variant type: single nucleotide variant.
Coding change: c.-357A>T on transcript NM_016138.4; 357 bases upstream of the start codon, A replaced by T.
Genome position (GRCh38, 1-based): chr16:19,067,308, A>T. VCF-style: chr16-19067308-A-T. GRCh37 (hg19) VCF-style: chr16-19078630-A-T.
Identifiers: ClinVar variation 669474 (VCV000669474.4), dbSNP rs72777492, ClinGen allele CA14242481.